The following is an entry in ClinVar:

ClinVar aggregate classification (germline): Uncertain significance (1 of 4 stars; one submission).

gnomAD v4.1: 1 of 1,612,616 alleles (0.000062%); highest among the groups gnomAD compares: African/African-American, 0.0013%; no homozygotes.

Submission:

GeneDx
Classification: Uncertain significance. Last evaluated: 2025-06-10. Review status: criteria provided, single submitter. Criteria: GeneDx Variant Classification Process June 2021. Collection method: clinical testing. Allele origin: germline. Affected: yes.
Comment: Not observed at significant frequency in large population cohorts (gnomAD); In silico analysis supports that this missense variant has a deleterious effect on protein structure/function; Has not been previously published as pathogenic or benign to our knowledge

NM_003482.4(KMT2D):c.12949C>T (p.Pro4317Ser)

Gene: KMT2D (lysine methyltransferase 2D; minus strand). Cytogenetic location: 12q13.12.
Variant type: single nucleotide variant.
Coding change: c.12949C>T on transcript NM_003482.4 (MANE Select); coding-DNA position 12949, C replaced by T.
Protein change: p.Pro4317Ser; replaces proline 4317 with serine.
Molecular consequence: missense variant.
Genome position (GRCh38, 1-based): chr12:49,031,756, G>A on the plus strand (C>T on the coding strand, the complement: KMT2D is on the minus strand). VCF-style: chr12-49031756-G-A. GRCh37 (hg19) VCF-style: chr12-49425539-G-A.
Other names: short protein forms P4317S.
Identifiers: ClinVar variation 4537650 (VCV004537650.1).